The following is an entry in ClinVar:

ClinVar aggregate classification (germline): Uncertain significance (1 of 4 stars; one submission).

Submission:

Labcorp Genetics (formerly Invitae), Labcorp
Classification: Uncertain significance. Last evaluated: 2023-11-27. Review status: criteria provided, single submitter. Criteria: Invitae Variant Classification Sherloc (09022015). Collection method: clinical testing. Allele origin: germline.
Comment: This sequence change replaces phenylalanine, which is neutral and non-polar, with leucine, which is neutral and non-polar, at codon 277 of the FERMT1 protein (p.Phe277Leu). This variant is present in population databases (no rsID available, gnomAD 0.007%). This variant has not been reported in the literature in individuals affected with FERMT1-related conditions. ClinVar contains an entry for this variant (Variation ID: 2034572). Advanced modeling of protein sequence and biophysical properties (such as structural, functional, and spatial information, amino acid conservation, physicochemical variation, residue mobility, and thermodynamic stability) performed at Invitae indicates that this missense variant is expected to disrupt FERMT1 protein function with a positive predictive value of 80%. In summary, the available evidence is currently insufficient to determine the role of this variant in disease. Therefore, it has been classified as a Variant of Uncertain Significance.

NM_017671.5(FERMT1):c.829T>C (p.Phe277Leu)

Gene: FERMT1 (FERM domain containing kindlin 1; minus strand). Cytogenetic location: 20p12.3.
Variant type: single nucleotide variant.
Coding change: c.829T>C on transcript NM_017671.5 (MANE Select); coding-DNA position 829, T replaced by C.
Protein change: p.Phe277Leu; replaces phenylalanine 277 with leucine.
Molecular consequence: missense variant.
Genome position (GRCh38, 1-based): chr20:6,107,552, A>G on the plus strand (T>C on the coding strand, the complement: FERMT1 is on the minus strand). VCF-style: chr20-6107552-A-G. GRCh37 (hg19) VCF-style: chr20-6088199-A-G.
Other names: short protein forms F277L.
Identifiers: ClinVar variation 2034572 (VCV002034572.4), dbSNP rs936591745, ClinGen allele CA408186514.